The following is an entry in ClinVar:

ClinVar aggregate classification (germline): Uncertain significance. Review status: criteria provided, multiple submitters, no conflicts (2 of 4 stars). 3 submissions from 3 submitters: Uncertain significance (2). 1 of the submissions does not count toward it. Last evaluated 2024-05-18.

Conditions:
ROBO2-related disorder. Also called: ROBO2-related condition.
Vesicoureteral reflux 2 (VUR2). Identifiers: Orphanet 289365, MedGen C1970483, MONDO:0012573, OMIM 610878.

Allele frequency attached by ClinVar (database versions not stated): gnomAD exomes below 0.00001.
gnomAD v4.1: 1 of 1,613,760 alleles (0.000062%); highest among the groups gnomAD compares: Non-Finnish European, 0.000085%; no homozygotes.

Submissions (3):

Fulgent Genetics
Classification: Uncertain significance for Vesicoureteral reflux 2. Last evaluated: 2024-05-18. Review status: criteria provided, single submitter. Criteria: ACMG Guidelines, 2015. Collection method: clinical testing. Allele origin: germline.

GeneDx
Classification: Uncertain significance. Last evaluated: 2022-07-12. Review status: criteria provided, single submitter. Criteria: GeneDx Variant Classification Process June 2021. Collection method: clinical testing. Allele origin: germline. Affected: yes.
Comment: Not observed at significant frequency in large population cohorts (gnomAD); In silico analysis supports that this missense variant has a deleterious effect on protein structure/function; Has not been previously published as pathogenic or benign to our knowledge

PreventionGenetics, part of Exact Sciences
Classification: Uncertain significance for ROBO2-related condition. Last evaluated: 2024-08-07. Review status: no assertion criteria provided. Collection method: clinical testing. Allele origin: germline. Not counted in ClinVar's aggregate classification.
Comment: The ROBO2 c.2507C>T variant is predicted to result in the amino acid substitution p.Ala836Val. To our knowledge, this variant has not been reported in the literature or in a large population database, indicating this variant is rare. At this time, the clinical significance of this variant is uncertain due to the absence of conclusive functional and genetic evidence.

NM_001395656.1(ROBO2):c.2471C>T (p.Ala824Val)

Gene: ROBO2 (roundabout guidance receptor 2; plus strand). Cytogenetic location: 3p12.3.
Variant type: single nucleotide variant.
Coding change: c.2471C>T on transcript NM_001395656.1 (MANE Select); coding-DNA position 2471, C replaced by T.
Protein change: p.Ala824Val; replaces alanine 824 with valine.
Molecular consequence: missense variant.
Genome position (GRCh38, 1-based): chr3:77,580,077, C>T. VCF-style: chr3-77580077-C-T. GRCh37 (hg19) VCF-style: chr3-77629228-C-T.
Other names: c.2507C>T, p.Ala836Val (NM_001128929.3); c.2471C>T, p.Ala824Val (NM_001290039.2, NM_001290040.2, NM_001378202.1); c.680C>T, p.Ala227Val (NM_001290065.2); c.2519C>T, p.Ala840Val (NM_001378190.1, NM_001378191.1, NM_001378195.1 and 4 more transcripts); c.2540C>T, p.Ala847Val (NM_001378192.1, NM_001378194.1, NM_001378198.1 and 2 more transcripts); c.2459C>T, p.Ala820Val (NM_001378193.1, NM_001378197.1, NM_002942.5); c.2528C>T, p.Ala843Val (NM_001394212.1, NM_001394214.1, NM_001395657.1); short protein forms A227V, A820V, A824V, A836V, A840V, A843V, A847V.
Identifiers: ClinVar variation 1878919 (VCV001878919.3), dbSNP rs2549100880, ClinGen allele CA353523038.